The following is an entry in ClinVar:

NM_000057.4(BLM):c.2330T>C (p.Ile777Thr)

Gene: BLM (BLM RecQ like helicase; plus strand). Cytogenetic location: 15q26.1.
Variant type: single nucleotide variant.
Coding change: c.2330T>C on transcript NM_000057.4 (MANE Select); coding-DNA position 2330, T replaced by C.
Protein change: p.Ile777Thr; replaces isoleucine 777 with threonine.
Molecular consequence: missense variant.
Genome position (GRCh38, 1-based): chr15:90,769,155, T>C. VCF-style: chr15-90769155-T-C. GRCh37 (hg19) VCF-style: chr15-91312385-T-C.
Other names: c.2330T>C, p.Ile777Thr (NM_001287246.2, NM_001287247.2); c.1205T>C, p.Ile402Thr (NM_001287248.2); c.2330T>C (NM_000057.2); short protein forms I402T, I777T.
Identifiers: ClinVar variation 1052932 (VCV001052932.10), dbSNP rs2151165699, ClinGen allele CA393845071.

ClinVar aggregate classification (germline): Uncertain significance. Review status: criteria provided, multiple submitters, no conflicts (2 of 4 stars). 2 submissions from 2 submitters: Uncertain significance (2). Last evaluated 2024-04-07.

Conditions:
Hereditary cancer-predisposing syndrome. Also called: Tumor predisposition; Hereditary neoplastic syndrome; Hereditary Cancer Syndrome; Neoplastic Syndromes, Hereditary. Identifiers: Orphanet 140162, MedGen C0027672, MeSH D009386, MONDO:0015356.
Bloom syndrome (BLM). Also called: Bloom-Torre-Machacek syndrome. Identifiers: Orphanet 125, MedGen C0005859, MONDO:0008876, OMIM 210900.

Submissions (2):

Ambry Genetics
Classification: Uncertain significance for Hereditary cancer-predisposing syndrome. Last evaluated: 2024-04-07. Review status: criteria provided, single submitter. Criteria: Ambry Variant Classification Scheme 2023. Collection method: clinical testing. Allele origin: germline.
Comment: The p.I777T variant (also known as c.2330T>C), located in coding exon 10 of the BLM gene, results from a T to C substitution at nucleotide position 2330. The isoleucine at codon 777 is replaced by threonine, an amino acid with similar properties. This amino acid position is conserved. In addition, this alteration is predicted to be tolerated by in silico analysis. Based on the available evidence, the clinical significance of this variant remains unclear.

Labcorp Genetics (formerly Invitae), Labcorp
Classification: Uncertain significance for Bloom syndrome. Last evaluated: 2020-08-04. Review status: criteria provided, single submitter. Criteria: Invitae Variant Classification Sherloc (09022015). Collection method: clinical testing. Allele origin: germline.
Comment: Algorithms developed to predict the effect of missense changes on protein structure and function are either unavailable or do not agree on the potential impact of this missense change (SIFT: "Tolerated"; PolyPhen-2: "Possibly Damaging"; Align-GVGD: "Class C0"). In summary, the available evidence is currently insufficient to determine the role of this variant in disease. Therefore, it has been classified as a Variant of Uncertain Significance. This sequence change replaces isoleucine with threonine at codon 777 of the BLM protein (p.Ile777Thr). The isoleucine residue is weakly conserved and there is a moderate physicochemical difference between isoleucine and threonine. This variant has not been reported in the literature in individuals with BLM-related conditions. This variant is not present in population databases (ExAC no frequency).